The following is an entry in ClinVar:

ClinVar aggregate classification (germline): Uncertain significance. Review status: criteria provided, multiple submitters, no conflicts (2 of 4 stars). 2 submissions from 2 submitters: Uncertain significance (2). Last evaluated 2024-05-06.

Conditions:
Hereditary cancer-predisposing syndrome. Also called: Tumor predisposition; Hereditary Cancer Syndrome; Hereditary neoplastic syndrome; Neoplastic Syndromes, Hereditary. Identifiers: Orphanet 140162, MedGen C0027672, MeSH D009386, MONDO:0015356.
Hereditary nonpolyposis colorectal neoplasms. Identifiers: MedGen C0009405, MeSH D003123.

Submissions (2):

Labcorp Genetics (formerly Invitae), Labcorp
Classification: Uncertain significance for Hereditary nonpolyposis colorectal neoplasms. Last evaluated: 2024-05-06. Review status: criteria provided, single submitter. Criteria: Invitae Variant Classification Sherloc (09022015). Collection method: clinical testing. Allele origin: germline.
Comment: This variant, c.1540_1548del, results in the deletion of 3 amino acid(s) of the MSH6 protein (p.Cys514_Ile516del), but otherwise preserves the integrity of the reading frame. This variant is not present in population databases (gnomAD no frequency). This variant has not been reported in the literature in individuals affected with MSH6-related conditions. ClinVar contains an entry for this variant (Variation ID: 1466522). Experimental studies and prediction algorithms are not available or were not evaluated, and the functional significance of this variant is currently unknown. In summary, the available evidence is currently insufficient to determine the role of this variant in disease. Therefore, it has been classified as a Variant of Uncertain Significance.

Ambry Genetics
Classification: Uncertain significance for Hereditary cancer-predisposing syndrome. Last evaluated: 2015-10-02. Review status: criteria provided, single submitter. Criteria: Ambry Variant Classification Scheme 2023. Collection method: clinical testing. Allele origin: germline.
Comment: The c.1540_1548delTGTAGGATC variant (also known as p.C514_I516del) is located in coding exon 4 of the MSH6 gene. This variant results from an in-frame TGTAGGATC deletion at nucleotide positions 1540 to 1548. This results in the in-frame deletion of a cysteine, arginine and isoleucine at codons 514 to 516. This alteration co-segregated in a family that met Amsterdam criteria; however, a Lynch-related tumor in this family demonstrated normal mismatch repair protein expression on immunohistochemistry (Ambry internal data). The amino acid positions 514 and 515 are highly conserved in available vertebrate species, while the amino acid position 516 is not well conserved in available vertebrate species. In addition, this alteration is predicted to be deleterious by in silico analysis (Choi Y et al. PLoS ONE. 2012; 7(10):e46688). Since supporting evidence is limited at this time, the clinical significance of this alteration remains unclear.

NM_000179.3(MSH6):c.1540_1548del (p.Cys514_Ile516del)

Gene: MSH6 (mutS homolog 6; plus strand). Cytogenetic location: 2p16.3.
Variant type: Deletion.
Coding change: c.1540_1548del on transcript NM_000179.3 (MANE Select); coding-DNA positions 1540 to 1548, 9 bases deleted (TGTAGGATC; older notation c.1540_1548delTGTAGGATC).
Protein change: p.Cys514_Ile516del.
Molecular consequence: inframe deletion.
Genome position (GRCh38, 1-based): chr2:47,799,523-47,799,531, TGTAGGATC deleted; deleting any 9 consecutive bases within chr2:47,799,519-47,799,531 gives the same sequence; the c. name uses the placement nearest the transcript's 3' end. VCF-style (leftmost placement, unchanged base first): chr2-47799518-AGATCTGTAG-A. GRCh37 (hg19) VCF-style: chr2-48026657-AGATCTGTAG-A.
Other names: c.1150_1158del, p.Cys384_Ile386del (NM_001281492.2); c.634_642del, p.Cys212_Ile214del (NM_001281493.2, NM_001281494.2).
Identifiers: ClinVar variation 1466522 (VCV001466522.10), dbSNP rs2104350214, ClinGen allele CA2573134922.
Genomic context (GRCh38, chr2:47,799,518, plus strand): 5'-TGGAGGCACGATGTAGAAAGATGGCACATATATCCAAGTATGATAGAGTGGTGAGGAGGG[AGATCTGTAG>A]GATCATTACCAAGGGTACACAGACTTACAGTGTGCTGGAAGGTGATCCCTCTGAGAACTA-3'